The following is an entry in ClinVar:

NM_031407.7(HUWE1):c.6191C>T (p.Pro2064Leu)

Gene: HUWE1 (HECT, UBA and WWE domain containing E3 ubiquitin protein ligase 1; minus strand). Cytogenetic location: Xp11.22.
Variant type: single nucleotide variant.
Coding change: c.6191C>T on transcript NM_031407.7 (MANE Select); coding-DNA position 6191, C replaced by T.
Protein change: p.Pro2064Leu; replaces proline 2064 with leucine.
Molecular consequence: missense variant.
Genome position (GRCh38, 1-based): chrX:53,573,871, G>A on the plus strand (C>T on the coding strand, the complement: HUWE1 is on the minus strand). VCF-style: chrX-53573871-G-A. GRCh37 (hg19) VCF-style: chrX-53600831-G-A.
Other names: short protein forms P2064L.
Identifiers: ClinVar variation 3365788 (VCV003365788.1).

ClinVar aggregate classification (germline): Uncertain significance (1 of 4 stars; one submission).

Submission:

GeneDx
Classification: Uncertain significance. Last evaluated: 2023-12-18. Review status: criteria provided, single submitter. Criteria: GeneDx Variant Classification Process June 2021. Collection method: clinical testing. Allele origin: germline. Affected: yes.
Comment: Not observed at significant frequency in large population cohorts (gnomAD); In silico analysis supports that this missense variant has a deleterious effect on protein structure/function; Has not been previously published as pathogenic or benign to our knowledge